The following is an entry in ClinVar:

ClinVar aggregate classification (germline): Uncertain significance (1 of 4 stars; one submission).

Submission:

Labcorp Genetics (formerly Invitae), Labcorp
Classification: Uncertain significance. Last evaluated: 2022-08-23. Review status: criteria provided, single submitter. Criteria: Invitae Variant Classification Sherloc (09022015). Collection method: clinical testing. Allele origin: germline.
Comment: This sequence change replaces aspartic acid, which is acidic and polar, with glycine, which is neutral and non-polar, at codon 322 of the TUBA8 protein (p.Asp322Gly). This variant is not present in population databases (gnomAD no frequency). This variant has not been reported in the literature in individuals affected with TUBA8-related conditions. ClinVar contains an entry for this variant (Variation ID: 1375595). Algorithms developed to predict the effect of missense changes on protein structure and function (SIFT, PolyPhen-2, Align-GVGD) all suggest that this variant is likely to be disruptive. In summary, the available evidence is currently insufficient to determine the role of this variant in disease. Therefore, it has been classified as a Variant of Uncertain Significance.

NM_018943.3(TUBA8):c.965A>G (p.Asp322Gly)

Gene: TUBA8 (tubulin alpha 8; plus strand). Cytogenetic location: 22q11.21.
Variant type: single nucleotide variant.
Coding change: c.965A>G on transcript NM_018943.3 (MANE Select); coding-DNA position 965, A replaced by G.
Protein change: p.Asp322Gly; replaces aspartic acid 322 with glycine.
Molecular consequence: missense variant.
Genome position (GRCh38, 1-based): chr22:18,126,943, A>G. VCF-style: chr22-18126943-A-G. GRCh37 (hg19) VCF-style: chr22-18609710-A-G.
Other names: c.767A>G, p.Asp256Gly (NM_001193414.2); short protein forms D322G, D256G.
Identifiers: ClinVar variation 1375595 (VCV001375595.8), dbSNP rs2123706280, ClinGen allele CA410265297.